The following is an entry in ClinVar:

NM_001035.3(RYR2):c.7210_7212del (p.Pro2404del)

Gene: RYR2 (ryanodine receptor 2; plus strand). Cytogenetic location: 1q43.
Variant type: Deletion.
Coding change: c.7210_7212del on transcript NM_001035.3 (MANE Select); coding-DNA positions 7210 to 7212, 3 bases deleted (CCT; older notation c.7210_7212delCCT).
Protein change: p.Pro2404del; deletes proline 2404.
Molecular consequence: inframe deletion.
Genome position (GRCh38, 1-based): chr1:237,640,991-237,640,993, CCT deleted; deleting any 3 consecutive bases within chr1:237,640,989-237,640,993 gives the same sequence; the c. name uses the placement nearest the transcript's 3' end. VCF-style (leftmost placement, unchanged base first): chr1-237640988-GCTC-G. GRCh37 (hg19) VCF-style: chr1-237804288-GCTC-G.
Other names: short protein forms P2404del.
Identifiers: ClinVar variation 940418 (VCV000940418.9), dbSNP rs1681410223, ClinGen allele CA1139656666.

ClinVar aggregate classification (germline): Uncertain significance (1 of 4 stars; one submission).

Conditions:
Catecholaminergic polymorphic ventricular tachycardia 1. Also called: RYR2-Related Catecholaminergic Polymorphic Ventricular Tachycardia; VENTRICULAR TACHYCARDIA, CATECHOLAMINERGIC POLYMORPHIC, 1, WITH OR WITHOUT ATRIAL DYSFUNCTION AND/OR DILATED CARDIOMYOPATHY; VENTRICULAR TACHYCARDIA, STRESS-INDUCED POLYMORPHIC 1. Identifiers: Orphanet 3286, MedGen C1631597, MONDO:0011484, OMIM 604772.

Submission:

Labcorp Genetics (formerly Invitae), Labcorp
Classification: Uncertain significance for Catecholaminergic polymorphic ventricular tachycardia 1. Last evaluated: 2024-06-28. Review status: criteria provided, single submitter. Criteria: Invitae Variant Classification Sherloc (09022015). Collection method: clinical testing. Allele origin: germline.
Comment: This variant, c.7210_7212del, results in the deletion of 1 amino acid(s) of the RYR2 protein (p.Pro2404del), but otherwise preserves the integrity of the reading frame. This variant is not present in population databases (gnomAD no frequency). This variant has been observed in individual(s) with catecholaminergic polymorphic ventricular tachycardia (CPVT) (Invitae). ClinVar contains an entry for this variant (Variation ID: 940418). Experimental studies and prediction algorithms are not available or were not evaluated, and the functional significance of this variant is currently unknown. In summary, the available evidence is currently insufficient to determine the role of this variant in disease. Therefore, it has been classified as a Variant of Uncertain Significance.